The following is an entry in ClinVar:

ClinVar aggregate classification (germline): Uncertain significance (1 of 4 stars; one submission).

Submission:

Labcorp Genetics (formerly Invitae), Labcorp
Classification: Uncertain significance. Last evaluated: 2023-04-30. Review status: criteria provided, single submitter. Criteria: Invitae Variant Classification Sherloc (09022015). Collection method: clinical testing. Allele origin: germline.
Comment: In summary, the available evidence is currently insufficient to determine the role of this variant in disease. Therefore, it has been classified as a Variant of Uncertain Significance. Algorithms developed to predict the effect of sequence changes on RNA splicing suggest that this variant may create or strengthen a splice site. This variant has not been reported in the literature in individuals affected with KAT6A-related conditions. This variant is not present in population databases (gnomAD no frequency). This sequence change falls in intron 3 of the KAT6A gene. It does not directly change the encoded amino acid sequence of the KAT6A protein.

NM_006766.5(KAT6A):c.710-17_710-16insGAA

Gene: KAT6A (lysine acetyltransferase 6A; minus strand). Cytogenetic location: 8p11.21.
Variant type: Insertion.
Coding change: c.710-17_710-16insGAA on transcript NM_006766.5 (MANE Select); 17 bases into the intron before coding-DNA position 710 through 16 bases into the intron before coding-DNA position 710, GAA inserted.
Molecular consequence: intron variant.
Genome position: GRCh38 VCF-style: chr8-41981970-A-ACTT. GRCh37 (hg19) VCF-style: chr8-41839488-A-ACTT.
Other names: c.710-17_710-16insGAA (NM_001305878.2).
Identifiers: ClinVar variation 2860700 (VCV002860700.3), dbSNP rs2486827086, ClinGen allele CA2687080494.